The following is an entry in ClinVar:

NC_000011.9:g.(?_68682281)_(68682501_?)del

Gene: IGHMBP2 (immunoglobulin mu DNA binding protein 2; plus strand). Cytogenetic location: 11q13.3.
Variant type: Deletion.
Identifiers: ClinVar variation 1066140 (VCV001066140.1).

ClinVar aggregate classification (germline): Likely pathogenic (1 of 4 stars; one submission).

Conditions:
Autosomal recessive distal spinal muscular atrophy 1. Also called: Spinal muscular atrophy with respiratory distress 1; NEURONOPATHY, DISTAL HEREDITARY MOTOR, HARDING TYPE VI; NEUROPATHY, DISTAL HEREDITARY MOTOR, AUTOSOMAL RECESSIVE 1; NEURONOPATHY, SEVERE INFANTILE AXONAL, WITH RESPIRATORY FAILURE; HMN VI; SEVERE INFANTILE AXONAL NEUROPATHY WITH RESPIRATORY FAILURE. Identifiers: Orphanet 98920, MedGen C1858517, MONDO:0011436, OMIM 604320.
Charcot-Marie-Tooth disease axonal type 2S. Also called: CHARCOT-MARIE-TOOTH DISEASE, AXONAL, AUTOSOMAL RECESSIVE, TYPE 2S; CHARCOT-MARIE-TOOTH NEUROPATHY, TYPE 2S. Identifiers: Orphanet 443073, MedGen C4015349, MONDO:0014511, OMIM 616155.

Submission:

Labcorp Genetics (formerly Invitae), Labcorp
Classification: Likely pathogenic for Autosomal recessive distal spinal muscular atrophy 1; Charcot-Marie-Tooth disease axonal type 2S. Last evaluated: 2020-03-19. Review status: criteria provided, single submitter. Criteria: Invitae Variant Classification Sherloc (09022015). Collection method: clinical testing. Allele origin: germline.
Comment: This variant is an in-frame deletion of the genomic region encompassing exon 6 of the IGHMBP2 gene. It preserves the integrity of the reading frame. This variant has not been reported in the literature in individuals with IGHMBP2-related conditions. This variant disrupts the p.Arg264 amino acid residue in IGHMBP2. Other variant(s) that disrupt this residue have been determined to be pathogenic (PMID: 26392352; Invitae). This suggests that this residue is clinically significant, and that variants that disrupt this residue are likely to be disease-causing. In summary, the currently available evidence indicates that the variant is pathogenic, but additional data are needed to prove that conclusively. Therefore, this variant has been classified as Likely Pathogenic.

Literature cited by the submitters: PubMed 26392352.